The following is an entry in ClinVar:

ClinVar aggregate classification (germline): Likely benign. Review status: criteria provided, multiple submitters, no conflicts (2 of 4 stars). 2 submissions from 2 submitters: Likely benign (2). Last evaluated 2025-05-01.

gnomAD v4.1: 4 of 1,495,698 alleles (0.00027%); highest among the groups gnomAD compares: East Asian, 0.0057%; no homozygotes.

Submissions (2):

CeGaT Center for Human Genetics Tuebingen
Classification: Likely benign. Last evaluated: 2025-05-01. Review status: criteria provided, single submitter. Criteria: CeGaT Center For Human Genetics Tuebingen Variant Classification Criteria Version 2. Collection method: clinical testing. Allele origin: germline. Affected: yes. Observed: 1 variant allele.
Comment: DEAF1: BP4, BP7

Labcorp Genetics (formerly Invitae), Labcorp
Classification: Likely benign. Last evaluated: 2023-04-06. Review status: criteria provided, single submitter. Criteria: Invitae Variant Classification Sherloc (09022015). Collection method: clinical testing. Allele origin: germline.

NM_021008.4(DEAF1):c.192G>C (p.Thr64=)

Gene: DEAF1 (DEAF1 transcription factor; minus strand). Cytogenetic location: 11p15.5.
Variant type: single nucleotide variant.
Coding change: c.192G>C on transcript NM_021008.4 (MANE Select); coding-DNA position 192, G replaced by C.
Protein change: p.Thr64=; no amino-acid change (threonine 64 retained).
Molecular consequence: synonymous variant. On other transcripts: intron variant (1).
Genome position (GRCh38, 1-based): chr11:694,856, C>G on the plus strand (G>C on the coding strand, the complement: DEAF1 is on the minus strand). VCF-style: chr11-694856-C-G. GRCh37 (hg19) VCF-style: chr11-694856-C-G.
Other names: c.192G>C, p.Thr64= (NM_001293634.2); c.-437-3258G>C (NM_001367390.1).
Identifiers: ClinVar variation 2160404 (VCV002160404.14), dbSNP rs2494504277, ClinGen allele CA472437660.